The following is an entry in ClinVar:

NM_001166114.2(PNPLA6):c.1366C>T (p.Pro456Ser)

Gene: PNPLA6 (patatin like domain 6, lysophospholipase; plus strand). Cytogenetic location: 19p13.2.
Variant type: single nucleotide variant.
Coding change: c.1366C>T on transcript NM_001166114.2 (MANE Select); coding-DNA position 1366, C replaced by T.
Protein change: p.Pro456Ser; replaces proline 456 with serine.
Molecular consequence: missense variant.
Genome position (GRCh38, 1-based): chr19:7,542,764, C>T. VCF-style: chr19-7542764-C-T. GRCh37 (hg19) VCF-style: chr19-7607650-C-T.
Other names: c.1393C>T, p.Pro465Ser (NM_001166111.2); c.1249C>T, p.Pro417Ser (NM_001166112.2, NM_001166113.1, NM_006702.5); short protein forms P465S, P417S, P456S.
Identifiers: ClinVar variation 2722903 (VCV002722903.3), dbSNP rs1266155380, ClinGen allele CA403112368.

ClinVar aggregate classification (germline): Uncertain significance (1 of 4 stars; one submission).

Conditions:
Hereditary spastic paraplegia 39 (SPG39). Also called: Spastic Paraplegia Type 39 (SPG39); SPASTIC PARAPLEGIA 39, AUTOSOMAL RECESSIVE. Identifiers: Orphanet 139480, MedGen C2677586, MONDO:0012787, OMIM 612020.

Allele frequency attached by ClinVar (database versions not stated): gnomAD exomes below 0.00001; gnomAD 0.00001; TOPMed 0.00001.
gnomAD v4.1: 5 of 1,612,874 alleles (0.00031%); highest among the groups gnomAD compares: African/African-American, 0.0013%; no homozygotes.

Submission:

Labcorp Genetics (formerly Invitae), Labcorp
Classification: Uncertain significance for Hereditary spastic paraplegia 39. Last evaluated: 2024-02-19. Review status: criteria provided, single submitter. Criteria: Invitae Variant Classification Sherloc (09022015). Collection method: clinical testing. Allele origin: germline.
Comment: This sequence change replaces proline, which is neutral and non-polar, with serine, which is neutral and polar, at codon 417 of the PNPLA6 protein (p.Pro417Ser). This variant is present in population databases (no rsID available, gnomAD 0.0009%). This variant has not been reported in the literature in individuals affected with PNPLA6-related conditions. Advanced modeling of protein sequence and biophysical properties (such as structural, functional, and spatial information, amino acid conservation, physicochemical variation, residue mobility, and thermodynamic stability) performed at Invitae indicates that this missense variant is not expected to disrupt PNPLA6 protein function with a negative predictive value of 95%. In summary, the available evidence is currently insufficient to determine the role of this variant in disease. Therefore, it has been classified as a Variant of Uncertain Significance.